The following is an entry in ClinVar:

NM_001367823.1(ARHGEF18):c.3781A>G (p.Ser1261Gly)

Gene: ARHGEF18 (Rho/Rac guanine nucleotide exchange factor 18; plus strand). Cytogenetic location: 19p13.2.
Variant type: single nucleotide variant.
Coding change: c.3781A>G on transcript NM_001367823.1 (MANE Select); coding-DNA position 3781, A replaced by G.
Protein change: p.Ser1261Gly; replaces serine 1261 with glycine.
Molecular consequence: missense variant.
Genome position (GRCh38, 1-based): chr19:7,469,125, A>G. VCF-style: chr19-7469125-A-G. GRCh37 (hg19) VCF-style: chr19-7534011-A-G.
Other names: c.3055A>G, p.Ser1019Gly (NM_001130955.2); c.2743A>G, p.Ser915Gly (NM_001367824.1, NM_015318.4); short protein forms S1261G, S915G, S1019G.
Identifiers: ClinVar variation 1503347 (VCV001503347.8), dbSNP rs989059948, ClinGen allele CA304857708.
Genomic context (GRCh38, chr19:7,469,125, plus strand): 5'-GCCTCCACCAAGGGTGGCAAGGACAAGGGCGGCAAGAGCAGGGGCTCTCAGCGCTGGGAG[A>G]GCTCAGGTGAGCCGGCCCCACCCCTTCGCCTGGGCCTGGAAGGTGCAACTGGTCAGGCTC-3'
Protein context (NP_001354752.1, residues 1251-1271): GKSRGSQRWE[Ser1261Gly]SASFDLKQQL

ClinVar aggregate classification (germline): Uncertain significance (1 of 4 stars; one submission).

Allele frequency attached by ClinVar (database versions not stated): gnomAD exomes below 0.00001; TOPMed below 0.00001.
gnomAD v4.1: 2 of 1,593,314 alleles (0.00013%); highest among the groups gnomAD compares: Non-Finnish European, 0.00017%; no homozygotes.

Submission:

Labcorp Genetics (formerly Invitae), Labcorp
Classification: Uncertain significance. Last evaluated: 2023-03-23. Review status: criteria provided, single submitter. Criteria: Invitae Variant Classification Sherloc (09022015). Collection method: clinical testing. Allele origin: germline.
Comment: ClinVar contains an entry for this variant (Variation ID: 1503347). In summary, the available evidence is currently insufficient to determine the role of this variant in disease. Therefore, it has been classified as a Variant of Uncertain Significance. An algorithm developed to predict the effect of missense changes on protein structure and function (PolyPhen-2) suggests that this variant is likely to be disruptive. This variant has not been reported in the literature in individuals affected with ARHGEF18-related conditions. This variant is not present in population databases (gnomAD no frequency). This sequence change replaces serine, which is neutral and polar, with glycine, which is neutral and non-polar, at codon 1073 of the ARHGEF18 protein (p.Ser1073Gly).